The following is an entry in ClinVar:

ClinVar aggregate classification (germline): Pathogenic (1 of 4 stars; one submission).

Conditions:
Duchenne muscular dystrophy (DMD). Also called: MUSCULAR DYSTROPHY, PSEUDOHYPERTROPHIC PROGRESSIVE, DUCHENNE TYPE; Duchenne Muscular Dystrophy (DMD). Identifiers: Orphanet 98896, MedGen C0013264, MONDO:0010679, OMIM 310200.

Submission:

Labcorp Genetics (formerly Invitae), Labcorp
Classification: Pathogenic for Duchenne muscular dystrophy. Last evaluated: 2019-06-20. Review status: criteria provided, single submitter. Criteria: Invitae Variant Classification Sherloc (09022015). Collection method: clinical testing. Allele origin: germline.
Comment: This sequence change creates a premature translational stop signal (p.Gln3290*) in the DMD gene. It is expected to result in an absent or disrupted protein product. This variant is not present in population databases (ExAC no frequency). This variant has not been reported in the literature in individuals with DMD-related conditions. Loss-of-function variants in DMD are known to be pathogenic (PMID: 16770791, 25007885). For these reasons, this variant has been classified as Pathogenic.

Literature cited by the submitters: PubMed 16770791; PubMed 25007885.

NM_004006.3(DMD):c.9868C>T (p.Gln3290Ter)

Gene: DMD (dystrophin; minus strand). Cytogenetic location: Xp21.2.
Variant type: single nucleotide variant.
Coding change: c.9868C>T on transcript NM_004006.3 (MANE Select); coding-DNA position 9868, C replaced by T.
Protein change: p.Gln3290Ter; replaces glutamine 3290 with a stop codon.
Molecular consequence: nonsense.
Genome position (GRCh38, 1-based): chrX:31,182,844, G>A on the plus strand (C>T on the coding strand, the complement: DMD is on the minus strand). VCF-style: chrX-31182844-G-A. GRCh37 (hg19) VCF-style: chrX-31200961-G-A.
Other names: c.9844C>T, p.Gln3282Ter (NM_000109.4); c.9856C>T, p.Gln3286Ter (NM_004009.3); c.9499C>T, p.Gln3167Ter (NM_004010.3); c.5845C>T, p.Gln1949Ter (NM_004011.4); c.5836C>T, p.Gln1946Ter (NM_004012.4); c.2488C>T, p.Gln830Ter (NM_004013.3, NM_004020.4, NM_004021.3 and 2 more transcripts); c.1681C>T, p.Gln561Ter (NM_004014.3); c.664C>T, p.Gln222Ter (NM_004015.3, NM_004016.3, NM_004017.3 and 2 more transcripts); short protein forms Q1946*, Q1949*, Q830*, Q222*, Q3282*, Q3167*, Q3290*, Q561*.
Identifiers: ClinVar variation 949535 (VCV000949535.8), dbSNP rs2041306808, ClinGen allele CA412653500.